The following is an entry in ClinVar:

ClinVar aggregate classification (germline): Uncertain significance. Review status: criteria provided, multiple submitters, no conflicts (2 of 4 stars). 2 submissions from 2 submitters: Uncertain significance (2). Last evaluated 2025-01-07.

Conditions:
Inborn genetic diseases. Identifiers: MedGen C0950123, MeSH D030342.

Allele frequency attached by ClinVar (database versions not stated): ExAC 0.00007; gnomAD exomes 0.00007; gnomAD 0.00008; 1000 Genomes Project 30x 0.00016; 1000 Genomes Project 0.00020; ESP Exome Variant Server 0.00023.
gnomAD v4.1: 110 of 1,614,226 alleles (0.0068%); highest among the groups gnomAD compares: Non-Finnish European, 0.0088%; no homozygotes.

Submissions (2):

Ambry Genetics
Classification: Uncertain significance for Inborn genetic diseases. Last evaluated: 2025-01-07. Review status: criteria provided, single submitter. Criteria: Ambry Variant Classification Scheme 2023. Collection method: clinical testing. Allele origin: germline.

GeneDx
Classification: Uncertain significance. Last evaluated: 2022-09-22. Review status: criteria provided, single submitter. Criteria: GeneDx Variant Classification Process June 2021. Collection method: clinical testing. Allele origin: germline. Affected: yes.
Comment: Not observed at significant frequency in large population cohorts (gnomAD); In silico analysis supports that this missense variant does not alter protein structure/function; Has not been previously published as pathogenic or benign to our knowledge

NM_001352514.2(HLCS):c.1158G>T (p.Gln386His)

Gene: HLCS (holocarboxylase synthetase; minus strand). Cytogenetic location: 21q22.13.
Variant type: single nucleotide variant.
Coding change: c.1158G>T on transcript NM_001352514.2 (MANE Select); coding-DNA position 1158, G replaced by T.
Protein change: p.Gln386His; replaces glutamine 386 with histidine.
Molecular consequence: missense variant. On other transcripts: non-coding transcript variant (2).
Genome position (GRCh38, 1-based): chr21:36,936,728, C>A on the plus strand (G>T on the coding strand, the complement: HLCS is on the minus strand). VCF-style: chr21-36936728-C-A. GRCh37 (hg19) VCF-style: chr21-38309028-C-A.
Other names: c.717G>T, p.Gln239His (NM_000411.8, NM_001242784.3, NM_001242785.2 and 4 more transcripts); short protein forms Q239H, Q386H.
Identifiers: ClinVar variation 2446260 (VCV002446260.2), dbSNP rs148923377, ClinGen allele CA10020624.